The following is an entry in ClinVar:

ClinVar aggregate classification (germline): Likely benign (1 of 4 stars; one submission).

Allele frequency attached by ClinVar (database versions not stated): gnomAD 0.00001; gnomAD exomes 0.00002; TOPMed 0.00002; ExAC 0.00003; ESP Exome Variant Server 0.00015.
gnomAD v4.1: 31 of 1,567,776 alleles (0.002%); highest among the groups gnomAD compares: Admixed American, 0.0017%; no homozygotes.

Submission:

CeGaT Center for Human Genetics Tuebingen
Classification: Likely benign. Last evaluated: 2023-10-01. Review status: criteria provided, single submitter. Criteria: CeGaT Center For Human Genetics Tuebingen Variant Classification Criteria Version 2. Collection method: clinical testing. Allele origin: germline. Affected: yes. Observed: 1 variant allele.
Comment: HSF2: BP4

NM_004506.4(HSF2):c.456-8T>C

Gene: HSF2 (heat shock transcription factor 2; plus strand). Cytogenetic location: 6q22.31.
Variant type: single nucleotide variant.
Coding change: c.456-8T>C on transcript NM_004506.4 (MANE Select); 8 bases into the intron before coding-DNA position 456, T replaced by C.
Molecular consequence: intron variant.
Genome position (GRCh38, 1-based): chr6:122,416,213, T>C. VCF-style: chr6-122416213-T-C. GRCh37 (hg19) VCF-style: chr6-122737358-T-C.
Other names: c.456-8T>C (NM_001135564.1, NM_001243094.2).
Identifiers: ClinVar variation 2656892 (VCV002656892.24), dbSNP rs368820590, ClinGen allele CA3981987.